The following is an entry in ClinVar:

ClinVar aggregate classification (germline): Uncertain significance (1 of 4 stars; one submission).

Conditions:
COG1 congenital disorder of glycosylation (CDG2G). Also called: CONGENITAL DISORDER OF GLYCOSYLATION, TYPE IIg; CDG IIg; CDGII/COG1 CEREBROCOSTOMANDIBULAR-LIKE SYNDROME. Identifiers: Orphanet 263508, MedGen C2931011, MONDO:0012637, OMIM 611209.

Submission:

Labcorp Genetics (formerly Invitae), Labcorp
Classification: Uncertain significance for COG1 congenital disorder of glycosylation. Last evaluated: 2023-08-30. Review status: criteria provided, single submitter. Criteria: Invitae Variant Classification Sherloc (09022015). Collection method: clinical testing. Allele origin: germline.
Comment: In summary, the available evidence is currently insufficient to determine the role of this variant in disease. Therefore, it has been classified as a Variant of Uncertain Significance. ClinVar contains an entry for this variant (Variation ID: 1482824). Algorithms developed to predict the effect of missense changes on protein structure and function output the following: SIFT: "Not Available"; PolyPhen-2: "Benign"; Align-GVGD: "Not Available". The aspartic acid amino acid residue is found in multiple mammalian species, which suggests that this missense change does not adversely affect protein function. This variant is not present in population databases (gnomAD no frequency). This sequence change replaces glutamic acid, which is acidic and polar, with aspartic acid, which is acidic and polar, at codon 961 of the COG1 protein (p.Glu961Asp). This variant has not been reported in the literature in individuals affected with COG1-related conditions.

NM_018714.3(COG1):c.2883A>C (p.Glu961Asp)

Genes: VCF1 (VCP nuclear cofactor family member 1; minus strand), COG1 (component of oligomeric golgi complex 1; plus strand). Cytogenetic location: 17q25.1.
Variant type: single nucleotide variant.
Coding change: c.2883A>C on transcript NM_018714.3 (MANE Select); coding-DNA position 2883, A replaced by C.
Protein change: p.Glu961Asp; replaces glutamic acid 961 with aspartic acid.
Molecular consequence: missense variant. On other transcripts: 3 prime UTR variant (5).
Genome position (GRCh38, 1-based): chr17:73,208,391, A>C. VCF-style: chr17-73208391-A-C. GRCh37 (hg19) VCF-style: chr17-71204530-A-C.
Other names: c.*1138T>G (NM_001098832.2, NM_001289412.2, NM_032837.3); c.*1287T>G (NM_001289410.1, NM_001289411.1); short protein forms E961D.
Identifiers: ClinVar variation 1482824 (VCV001482824.8), dbSNP rs2145112491, ClinGen allele CA400898466.